The following is an entry in ClinVar:

NM_002519.3(NPAT):c.2410G>A (p.Val804Ile)

Gene: NPAT (nuclear protein, coactivator of histone transcription; minus strand). Cytogenetic location: 11q22.3.
Variant type: single nucleotide variant.
Coding change: c.2410G>A on transcript NM_002519.3 (MANE Select); coding-DNA position 2410, G replaced by A.
Protein change: p.Val804Ile; replaces valine 804 with isoleucine.
Molecular consequence: missense variant.
Genome position (GRCh38, 1-based): chr11:108,172,574, C>T on the plus strand (G>A on the coding strand, the complement: NPAT is on the minus strand). VCF-style: chr11-108172574-C-T. GRCh37 (hg19) VCF-style: chr11-108043301-C-T.
Other names: c.2410G>A, p.Val804Ile (NM_001321307.1); short protein forms V804I.
Identifiers: ClinVar variation 2447455 (VCV002447455.3), dbSNP rs767348134, ClinGen allele CA382513042.

ClinVar aggregate classification (germline): Uncertain significance. Review status: criteria provided, multiple submitters, no conflicts (2 of 4 stars). 2 submissions from 2 submitters: Uncertain significance (2). Last evaluated 2025-11-08.

Submissions (2):

Labcorp Genetics (formerly Invitae), Labcorp
Classification: Uncertain significance. Last evaluated: 2025-11-08. Review status: criteria provided, single submitter. Criteria: Invitae Variant Classification Sherloc (09022015). Collection method: clinical testing. Allele origin: germline.
Comment: This sequence change replaces valine, which is neutral and non-polar, with isoleucine, which is neutral and non-polar, at codon 804 of the NPAT protein (p.Val804Ile). This variant is not present in population databases (gnomAD no frequency). This variant has not been reported in the literature in individuals affected with NPAT-related conditions. ClinVar contains an entry for this variant (Variation ID: 2447455). An algorithm developed to predict the effect of missense changes on protein structure and function outputs the following: PolyPhen-2: "Benign". The isoleucine amino acid residue is found in multiple mammalian species, which suggests that this missense change does not adversely affect protein function. In summary, the available evidence is currently insufficient to determine the role of this variant in disease. Therefore, it has been classified as a Variant of Uncertain Significance.

Ambry Genetics
Classification: Uncertain significance. Last evaluated: 2022-11-11. Review status: criteria provided, single submitter. Criteria: Ambry Variant Classification Scheme 2023. Collection method: clinical testing. Allele origin: germline.
Comment: The p.V804I variant (also known as c.2410G>A), located in coding exon 13 of the NPAT gene, results from a G to A substitution at nucleotide position 2410. The valine at codon 804 is replaced by isoleucine, an amino acid with highly similar properties. This amino acid position is conserved. In addition, this alteration is predicted to be tolerated by in silico analysis. Since supporting evidence is limited at this time, the clinical significance of this alteration remains unclear.